The following is an entry in ClinVar:

NM_004984.4(KIF5A):c.1646A>C (p.Glu549Ala)

Gene: KIF5A (kinesin family member 5A; plus strand). Cytogenetic location: 12q13.3.
Variant type: single nucleotide variant.
Coding change: c.1646A>C on transcript NM_004984.4 (MANE Select); coding-DNA position 1646, A replaced by C.
Protein change: p.Glu549Ala; replaces glutamic acid 549 with alanine.
Molecular consequence: missense variant.
Genome position (GRCh38, 1-based): chr12:57,572,656, A>C. VCF-style: chr12-57572656-A-C. GRCh37 (hg19) VCF-style: chr12-57966439-A-C.
Other names: c.1379A>C, p.Glu460Ala (NM_001354705.2); short protein forms E460A, E549A.
Identifiers: ClinVar variation 4755969 (VCV004755969.1).

ClinVar aggregate classification (germline): Uncertain significance (1 of 4 stars; one submission).

Submission:

GeneDx
Classification: Uncertain significance. Last evaluated: 2025-08-07. Review status: criteria provided, single submitter. Criteria: GeneDx Variant Classification Process June 2021. Collection method: clinical testing. Allele origin: germline. Affected: yes.
Comment: Not observed at significant frequency in large population cohorts (gnomAD); In silico analysis supports that this missense variant has a deleterious effect on protein structure/function; Has not been previously published as pathogenic or benign to our knowledge